The following is an entry in ClinVar:

NM_080911.3(UNG):c.710C>G (p.Ala237Gly)

Gene: UNG (uracil DNA glycosylase; plus strand). Cytogenetic location: 12q24.11.
Variant type: single nucleotide variant.
Coding change: c.710C>G on transcript NM_080911.3 (MANE Select); coding-DNA position 710, C replaced by G.
Protein change: p.Ala237Gly; replaces alanine 237 with glycine.
Molecular consequence: missense variant.
Genome position (GRCh38, 1-based): chr12:109,103,520, C>G. VCF-style: chr12-109103520-C-G. GRCh37 (hg19) VCF-style: chr12-109541325-C-G.
Other names: c.683C>G, p.Ala228Gly (NM_003362.4); short protein forms A237G, A228G.
Identifiers: ClinVar variation 1031581 (VCV001031581.1), dbSNP rs201146665, ClinGen allele CA243398806.

ClinVar aggregate classification (germline): Uncertain significance (1 of 4 stars; one submission).

Conditions:
Hyper-IgM syndrome type 5 (HIGM5). Also called: Hyper-IgM Immunodeficiency Syndrome, Type 5. Identifiers: Orphanet 101092, MedGen C1720958, MONDO:0011971, OMIM 608106.

gnomAD v4.1: 5 of 1,614,206 alleles (0.00031%); highest among the groups gnomAD compares: Non-Finnish European, 0.00042%; no homozygotes.

Submission:

Baylor Genetics
Classification: Uncertain significance for Hyper-IgM syndrome type 5. Last evaluated: 2018-06-11. Review status: criteria provided, single submitter. Criteria: ACMG Guidelines, 2015. Collection method: clinical testing. Allele origin: maternal. Affected: yes.
Comment: This variant was determined to be of uncertain significance according to ACMG Guidelines, 2015 [PMID:25741868].